The following is an entry in ClinVar:

NM_014000.3(VCL):c.964C>G (p.Leu322Val)

Gene: VCL (vinculin; plus strand). Cytogenetic location: 10q22.2.
Variant type: single nucleotide variant.
Coding change: c.964C>G on transcript NM_014000.3 (MANE Select); coding-DNA position 964, C replaced by G.
Protein change: p.Leu322Val; replaces leucine 322 with valine.
Molecular consequence: missense variant.
Genome position (GRCh38, 1-based): chr10:74,083,455, C>G. VCF-style: chr10-74083455-C-G. GRCh37 (hg19) VCF-style: chr10-75843213-C-G.
Other names: c.964C>G, p.Leu322Val (NM_003373.4); short protein forms L322V.
Identifiers: ClinVar variation 2565627 (VCV002565627.2), dbSNP rs2549219051, ClinGen allele CA377270522.

ClinVar aggregate classification (germline): Uncertain significance (1 of 4 stars; one submission).

Conditions:
Cardiovascular phenotype. Identifiers: MedGen CN230736.

Submission:

Ambry Genetics
Classification: Uncertain significance for Cardiovascular phenotype. Last evaluated: 2023-05-30. Review status: criteria provided, single submitter. Criteria: Ambry Variant Classification Scheme 2023. Collection method: clinical testing. Allele origin: germline.
Comment: The p.L322V variant (also known as c.964C>G), located in coding exon 8 of the VCL gene, results from a C to G substitution at nucleotide position 964. The leucine at codon 322 is replaced by valine, an amino acid with highly similar properties. This amino acid position is conserved. In addition, this alteration is predicted to be tolerated by in silico analysis. Since supporting evidence is limited at this time, the clinical significance of this alteration remains unclear.